The following is an entry in ClinVar:

ClinVar aggregate classification (germline): Pathogenic (1 of 4 stars; one submission).

Conditions:
Hereditary cancer-predisposing syndrome. Also called: Hereditary Cancer Syndrome; Hereditary neoplastic syndrome; Neoplastic Syndromes, Hereditary; Tumor predisposition. Identifiers: Orphanet 140162, MedGen C0027672, MeSH D009386, MONDO:0015356.

Submission:

Ambry Genetics
Classification: Pathogenic for Hereditary cancer-predisposing syndrome. Last evaluated: 2023-04-13. Review status: criteria provided, single submitter. Criteria: Ambry Variant Classification Scheme 2023. Collection method: clinical testing. Allele origin: germline.
Comment: The c.6812delC pathogenic mutation, located in coding exon 46 of the ATM gene, results from a deletion of one nucleotide at nucleotide position 6812, causing a translational frameshift with a predicted alternate stop codon (p.P2271Lfs*39). This alteration, referred to as 6810delC, was identified as homozygous in a patient with ataxia-telangiectasia (Telatar M et al. Am J Hum Genet, 1996 Jul;59:40-4). This variant is considered to be rare based on population cohorts in the Genome Aggregation Database (gnomAD). In addition to the clinical data presented in the literature, this alteration is expected to result in loss of function by premature protein truncation or nonsense-mediated mRNA decay. As such, this alteration is interpreted as a disease-causing mutation.

Literature cited by the submitters: PubMed 8659541.

NM_000051.4(ATM):c.6812del (p.Pro2271fs)

Genes: ATM (ATM serine/threonine kinase; plus strand), C11orf65 (chromosome 11 open reading frame 65; minus strand). Cytogenetic location: 11q22.3.
Variant type: Deletion.
Coding change: c.6812del on transcript NM_000051.4 (MANE Select); coding-DNA position 6812, one base deleted (C; older notation c.6812delC).
Protein change: p.Pro2271fs; shifts the reading frame from proline 2271.
Molecular consequence: frameshift variant. On other transcripts: intron variant (2).
Genome position (GRCh38, 1-based): chr11:108,326,062, C deleted; the last of 3 consecutive C bases (chr11:108,326,060-108,326,062); deleting any one gives the same sequence. VCF-style (leftmost placement, unchanged base first): chr11-108326059-TC-T. GRCh37 (hg19) VCF-style: chr11-108196786-TC-T.
Other names: c.6812del, p.Pro2271fs (NM_001351834.2); c.641-16989del (NM_001330368.2); c.*38+9160del (NM_001351110.2); short protein forms P2271fs.
Identifiers: ClinVar variation 2568186 (VCV002568186.2), dbSNP rs2547215072, ClinGen allele CA2580615056.
Genomic context (GRCh38, chr11:108,326,059, plus strand): 5'-TTCATGGTAGTAGTATCAGTAGTAAAAGTATTTATTCCCATATGTCATTTTCATTTCAGC[TC>T]CCTGAAAGGGCAATATTTCAAATTAAACAGTACAATTCAGTTAGCTGTGGAGTCTCTGAG-3'